The following is an entry in ClinVar:

ClinVar aggregate classification (germline): Uncertain significance (1 of 4 stars; one submission).

Conditions:
Hereditary cancer-predisposing syndrome. Also called: Neoplastic Syndromes, Hereditary; Tumor predisposition; Hereditary Cancer Syndrome; Hereditary neoplastic syndrome. Identifiers: Orphanet 140162, MedGen C0027672, MeSH D009386, MONDO:0015356.

Submission:

Ambry Genetics
Classification: Uncertain significance for Hereditary cancer-predisposing syndrome. Last evaluated: 2023-06-21. Review status: criteria provided, single submitter. Criteria: Ambry Variant Classification Scheme 2023. Collection method: clinical testing. Allele origin: germline.
Comment: The c.364-3C>A intronic variant results from a C to A substitution 3 nucleotides upstream from coding exon 4 in the TSC1 gene. This nucleotide position is well conserved in available vertebrate species. This variant is considered to be rare based on population cohorts in the Genome Aggregation Database (gnomAD). In silico splice site analysis predicts that this alteration may result in the creation or strengthening of a novel splice acceptor site. RNA studies have demonstrated that this alteration results in a splice defect; the clinical impact of this abnormal splicing is unknown at this time (Ambry internal data). Since supporting evidence is limited at this time, the clinical significance of this alteration remains unclear.

NM_000368.5(TSC1):c.364-3C>A

Gene: TSC1 (TSC complex subunit 1; minus strand). Cytogenetic location: 9q34.13.
Variant type: single nucleotide variant.
Coding change: c.364-3C>A on transcript NM_000368.5 (MANE Select); 3 bases into the intron before coding-DNA position 364, C replaced by A.
Molecular consequence: intron variant.
Genome position (GRCh38, 1-based): chr9:132,923,495, G>T on the plus strand (C>A on the coding strand, the complement: TSC1 is on the minus strand). VCF-style: chr9-132923495-G-T. GRCh37 (hg19) VCF-style: chr9-135798882-G-T.
Other names: c.1-3C>A (NM_001362177.2); c.211-3C>A (NM_001162427.2); c.364-3C>A (NM_001162426.2).
Identifiers: ClinVar variation 1733529 (VCV001733529.3), dbSNP rs2539043741, ClinGen allele CA2580080046.